The following is an entry in ClinVar:

ClinVar aggregate classification (germline): Uncertain significance (1 of 4 stars; one submission).

Submission:

Ambry Genetics
Classification: Uncertain significance. Last evaluated: 2024-10-26. Review status: criteria provided, single submitter. Criteria: Ambry Variant Classification Scheme 2023. Collection method: clinical testing. Allele origin: germline.
Comment: The p.N1534H variant (also known as c.4600A>C), located in coding exon 36 of the PRKDC gene, results from an A to C substitution at nucleotide position 4600. The asparagine at codon 1534 is replaced by histidine, an amino acid with similar properties. This amino acid position is conserved. In addition, this alteration is predicted to be tolerated by in silico analysis. Based on the available evidence, the clinical significance of this variant remains unclear.

NM_006904.7(PRKDC):c.4600A>C (p.Asn1534His)

Gene: PRKDC (protein kinase, DNA-activated, catalytic subunit; minus strand). Cytogenetic location: 8q11.21.
Variant type: single nucleotide variant.
Coding change: c.4600A>C on transcript NM_006904.7 (MANE Select); coding-DNA position 4600, A replaced by C.
Protein change: p.Asn1534His; replaces asparagine 1534 with histidine.
Molecular consequence: missense variant.
Genome position (GRCh38, 1-based): chr8:47,886,120, T>G on the plus strand (A>C on the coding strand, the complement: PRKDC is on the minus strand). VCF-style: chr8-47886120-T-G. GRCh37 (hg19) VCF-style: chr8-48798681-T-G.
Other names: c.4600A>C, p.Asn1534His (NM_001081640.2); short protein forms N1534H.
Identifiers: ClinVar variation 3425374 (VCV003425374.1).